The following is an entry in ClinVar:

NM_000260.4(MYO7A):c.388A>G (p.Met130Val)

Gene: MYO7A (myosin VIIA; plus strand). Cytogenetic location: 11q13.5.
Variant type: single nucleotide variant.
Coding change: c.388A>G on transcript NM_000260.4 (MANE Select); coding-DNA position 388, A replaced by G.
Protein change: p.Met130Val; replaces methionine 130 with valine.
Molecular consequence: missense variant.
Genome position (GRCh38, 1-based): chr11:77,156,009, A>G. VCF-style: chr11-77156009-A-G. GRCh37 (hg19) VCF-style: chr11-76867055-A-G.
Other names: c.388A>G, p.Met130Val (NM_001127180.2); c.355A>G, p.Met119Val (NM_001369365.1); short protein forms M130V, M119V.
Identifiers: ClinVar variation 426505 (VCV000426505.5), dbSNP rs782473441, ClinGen allele CA6197118.

ClinVar aggregate classification (germline): Uncertain significance. Review status: criteria provided, single submitter (1 of 4 stars). 2 submissions from 2 submitters: Uncertain significance (1). 1 of the submissions does not count toward it. Last evaluated 2021-08-30.

Conditions:
Usher syndrome type 1B (USH1B). Also called: Usher syndrome type IB. Identifiers: MedGen C1848638, MONDO:0700087.

Allele frequency attached by ClinVar (database versions not stated): gnomAD exomes below 0.00001; ExAC 0.00001; TOPMed 0.00001.

Submissions (2):

GeneDx
Classification: Uncertain significance. Last evaluated: 2021-08-30. Review status: criteria provided, single submitter. Criteria: GeneDx Variant Classification Process June 2021. Collection method: clinical testing. Allele origin: germline. Affected: yes.
Comment: Not observed at a significant frequency in large population cohorts (Lek et al., 2016); In silico analysis supports that this missense variant does not alter protein structure/function; Has not been previously published as pathogenic or benign to our knowledge

Natera, Inc.
Classification: Uncertain significance for Usher syndrome type 1B. Last evaluated: 2020-02-12. Review status: no assertion criteria provided. Collection method: clinical testing. Allele origin: germline. Not counted in ClinVar's aggregate classification.